The following is an entry in ClinVar:

ClinVar aggregate classification (germline): Likely benign (1 of 4 stars; one submission).

Conditions:
EHHADH-related disorder. Also called: EHHADH-related condition.

Submission:

PreventionGenetics, part of Exact Sciences
Classification: Likely benign for EHHADH-related condition. Last evaluated: 2026-02-04. Review status: criteria provided, single submitter. Criteria: ACMG Guidelines, 2015. Collection method: clinical testing. Allele origin: germline.
Comment: This variant is classified as likely benign based on ACMG/AMP sequence variant interpretation guidelines (Richards et al. 2015 PMID: 25741868, with internal and published modifications).

NM_001966.4(EHHADH):c.911-8A>G

Gene: EHHADH (enoyl-CoA hydratase and 3-hydroxyacyl CoA dehydrogenase; minus strand). Cytogenetic location: 3q27.2.
Variant type: single nucleotide variant.
Coding change: c.911-8A>G on transcript NM_001966.4 (MANE Select); 8 bases into the intron before coding-DNA position 911, A replaced by G.
Molecular consequence: intron variant.
Genome position (GRCh38, 1-based): chr3:185,193,495, T>C on the plus strand (A>G on the coding strand, the complement: EHHADH is on the minus strand). VCF-style: chr3-185193495-T-C. GRCh37 (hg19) VCF-style: chr3-184911283-T-C.
Other names: c.623-8A>G (NM_001166415.2).
Identifiers: ClinVar variation 4987587 (VCV004987587.1).